The following is an entry in ClinVar:

NM_001122955.4(BSCL2):c.1179A>T (p.Lys393Asn)

Genes: HNRNPUL2-BSCL2 (HNRNPUL2-BSCL2 readthrough (NMD candidate); minus strand), BSCL2 (BSCL2 lipid droplet biogenesis associated, seipin; minus strand). Cytogenetic location: 11q12.3.
Variant type: single nucleotide variant.
Coding change: c.1179A>T on transcript NM_001122955.4 (MANE Select); coding-DNA position 1179, A replaced by T.
Protein change: p.Lys393Asn; replaces lysine 393 with asparagine.
Molecular consequence: missense variant. On other transcripts: non-coding transcript variant (1).
Genome position (GRCh38, 1-based): chr11:62,690,667, T>A on the plus strand (A>T on the coding strand, the complement: BSCL2 is on the minus strand). VCF-style: chr11-62690667-T-A. GRCh37 (hg19) VCF-style: chr11-62458139-T-A.
Other names: c.845A>T, p.Asn282Ile (NM_001130702.2); c.1185A>T, p.Lys395Asn (NM_001386027.1); c.1179A>T, p.Lys393Asn (NM_001386028.1); c.987A>T, p.Lys329Asn (NM_032667.6); short protein forms K329N, K393N, K395N, N282I.
Identifiers: ClinVar variation 1329585 (VCV001329585.4), dbSNP rs1945283531, ClinGen allele CA380955747.

ClinVar aggregate classification (germline): Uncertain significance. Review status: criteria provided, multiple submitters, no conflicts (2 of 4 stars). 2 submissions from 2 submitters: Uncertain significance (2). Last evaluated 2024-09-05.

Conditions:
Charcot-Marie-Tooth disease type 2. Also called: Charcot-Marie-Tooth type 2. Identifiers: Orphanet 64746, MedGen C0270914, MONDO:0018993.

Allele frequency attached by ClinVar (database versions not stated): gnomAD exomes below 0.00001.
gnomAD v4.1: 1 of 1,613,854 alleles (0.000062%); highest among the groups gnomAD compares: Non-Finnish European, 0.000085%; no homozygotes.

Submissions (2):

Labcorp Genetics (formerly Invitae), Labcorp
Classification: Uncertain significance for Charcot-Marie-Tooth disease type 2. Last evaluated: 2024-09-05. Review status: criteria provided, single submitter. Criteria: Invitae Variant Classification Sherloc (09022015). Collection method: clinical testing. Allele origin: germline.
Comment: This sequence change replaces lysine, which is basic and polar, with asparagine, which is neutral and polar, at codon 329 of the BSCL2 protein (p.Lys329Asn). This variant is not present in population databases (gnomAD no frequency). This variant has not been reported in the literature in individuals affected with BSCL2-related conditions. ClinVar contains an entry for this variant (Variation ID: 1329585). An algorithm developed to predict the effect of missense changes on protein structure and function (PolyPhen-2) suggests that this variant is likely to be tolerated. In summary, the available evidence is currently insufficient to determine the role of this variant in disease. Therefore, it has been classified as a Variant of Uncertain Significance.

GeneDx
Classification: Uncertain significance. Last evaluated: 2021-06-25. Review status: criteria provided, single submitter. Criteria: GeneDx Variant Classification Process June 2021. Collection method: clinical testing. Allele origin: germline. Affected: yes.
Comment: Not observed at significant frequency in large population cohorts (Lek et al., 2016); In silico analysis supports that this missense variant does not alter protein structure/function; Has not been previously published as pathogenic or benign to our knowledge; This variant is associated with the following publications: (PMID: 27535533)